The following is an entry in ClinVar:

ClinVar aggregate classification (germline): Pathogenic (1 of 4 stars; one submission).

Conditions:
Ehlers-Danlos syndrome, classic type, 1 (EDSCL1). Also called: Ehlers-Danlos Syndrome, Classic Type, COL5A1-Related; EHLERS-DANLOS SYNDROME, GRAVIS TYPE; EHLERS-DANLOS SYNDROME, SEVERE CLASSIC TYPE; Ehlers-Danlos syndrome, type 1; EDS I. Identifiers: MedGen C0268335, MONDO:0019567, OMIM 130000.
Osteogenesis imperfecta type I (OI1). Also called: OI, TYPE I; OSTEOGENESIS IMPERFECTA TARDA; OSTEOGENESIS IMPERFECTA WITH BLUE SCLERAE; Osteogenesis imperfecta type 1; Classic Non-deforming Osteogenesis Imperfecta with Blue Sclerae; Lobstein's Disease. Identifiers: Orphanet 216796, Orphanet 666, MedGen C0023931, MONDO:0008146, OMIM 166200. Disease mechanism: loss of function.

Submission:

Labcorp Genetics (formerly Invitae), Labcorp
Classification: Pathogenic for Osteogenesis imperfecta type I; Ehlers-Danlos syndrome, classic type, 1. Last evaluated: 2022-05-21. Review status: criteria provided, single submitter. Criteria: Invitae Variant Classification Sherloc (09022015). Collection method: clinical testing. Allele origin: germline.
Comment: For these reasons, this variant has been classified as Pathogenic. This variant disrupts the triple helix domain of COL1A2. Glycine residues within the Gly-Xaa-Yaa repeats of the triple helix domain are required for the structure and stability of fibrillar collagens (PMID: 7695699, 8218237, 19344236). In COL1A2, variants affecting these glycine residues are significantly enriched in individuals with disease (PMID: 9016532, 17078022) compared to the general population (ExAC). Advanced modeling of protein sequence and biophysical properties (such as structural, functional, and spatial information, amino acid conservation, physicochemical variation, residue mobility, and thermodynamic stability) performed at Invitae indicates that this missense variant is expected to disrupt COL1A2 protein function. This missense change has been observed in individual(s) with osteogenesis imperfecta (PMID: 30715774, 34306033). This variant is not present in population databases (gnomAD no frequency). This sequence change replaces glycine, which is neutral and non-polar, with serine, which is neutral and polar, at codon 847 of the COL1A2 protein (p.Gly847Ser).

Literature cited by the submitters: PubMed 7695699; PubMed 8218237; PubMed 19344236; PubMed 9016532; PubMed 17078022; PubMed 30715774; PubMed 34306033.

NM_000089.4(COL1A2):c.2539G>A (p.Gly847Ser)

Gene: COL1A2 (collagen type I alpha 2 chain; plus strand). Cytogenetic location: 7q21.3.
Variant type: single nucleotide variant.
Coding change: c.2539G>A on transcript NM_000089.4 (MANE Select); coding-DNA position 2539, G replaced by A.
Protein change: p.Gly847Ser; replaces glycine 847 with serine.
Molecular consequence: missense variant.
Genome position (GRCh38, 1-based): chr7:94,423,092, G>A. VCF-style: chr7-94423092-G-A. GRCh37 (hg19) VCF-style: chr7-94052404-G-A.
Other names: short protein forms G847S.
Identifiers: ClinVar variation 2169524 (VCV002169524.4), dbSNP rs72658196, ClinGen allele CA368224122.